The following is an entry in ClinVar:

NM_001035.3(RYR2):c.1005+7C>T

Gene: RYR2 (ryanodine receptor 2; plus strand). Cytogenetic location: 1q43.
Variant type: single nucleotide variant.
Coding change: c.1005+7C>T on transcript NM_001035.3 (MANE Select); 7 bases into the intron after coding-DNA position 1005, C replaced by T.
Molecular consequence: intron variant.
Genome position (GRCh38, 1-based): chr1:237,423,255, C>T. VCF-style: chr1-237423255-C-T. GRCh37 (hg19) VCF-style: chr1-237586555-C-T.
Other names: c.1005+7C>T (LRG_402t1).
Identifiers: ClinVar variation 388188 (VCV000388188.16), dbSNP rs774100182, ClinGen allele CA084118.

ClinVar aggregate classification (germline): Likely benign. Review status: criteria provided, multiple submitters, no conflicts (2 of 4 stars). 4 submissions from 4 submitters: Likely benign (4). Last evaluated 2025-04-29.

Conditions:
Catecholaminergic polymorphic ventricular tachycardia 1. Also called: RYR2-Related Catecholaminergic Polymorphic Ventricular Tachycardia; VENTRICULAR TACHYCARDIA, STRESS-INDUCED POLYMORPHIC 1; VENTRICULAR TACHYCARDIA, CATECHOLAMINERGIC POLYMORPHIC, 1, WITH OR WITHOUT ATRIAL DYSFUNCTION AND/OR DILATED CARDIOMYOPATHY. Identifiers: Orphanet 3286, MedGen C1631597, MONDO:0011484, OMIM 604772.

Allele frequency attached by ClinVar (database versions not stated): TOPMed 0.00002; gnomAD 0.00003 and 0.00004.
gnomAD v4.1: 13 of 1,610,080 alleles (0.00081%); highest among the groups gnomAD compares: African/African-American, 0.0027%; no homozygotes.

Submissions (4):

Women's Health and Genetics/Laboratory Corporation of America, LabCorp
Classification: Likely benign. Last evaluated: 2025-04-29. Review status: criteria provided, single submitter. Criteria: LabCorp Variant Classification Summary - May 2015. Collection method: clinical testing. Allele origin: germline.
Comment: Variant summary: RYR2 c.1005+7C>T alters a non-conserved nucleotide located at a position not widely known to affect splicing. Consensus agreement among computation tools predict no significant impact on normal splicing. However, these predictions have yet to be confirmed by functional studies. The variant allele was found at a frequency of 8.1e-06 in 1610080 control chromosomes. This frequency is not significantly higher than estimated for a pathogenic variant in RYR2 causing Catecholaminergic Polymorphic Ventricular Tachycardia (8.1e-06 vs 3.4e-05), allowing no conclusion about variant significance. c.1005+7C>T has been observed in at least one individual affected with progressive cardiac conduction disease (Daumy_2016), however without strong evidence for causality (lack of co-segregation data). This report therefore does not provide unequivocal conclusions about association of the variant with Catecholaminergic Polymorphic Ventricular Tachycardia. To our knowledge, no experimental evidence demonstrating an impact on protein function has been reported. The following publication was ascertained in the context of this evaluation (PMID: 26820365). ClinVar contains an entry for this variant (Variation ID: 388188). Based on the evidence outlined above, the variant was classified as likely benign.

Labcorp Genetics (formerly Invitae), Labcorp
Classification: Likely benign for Catecholaminergic polymorphic ventricular tachycardia 1. Last evaluated: 2025-01-16. Review status: criteria provided, single submitter. Criteria: Invitae Variant Classification Sherloc (09022015). Collection method: clinical testing. Allele origin: germline.

Blueprint Genetics
Classification: Likely benign. Last evaluated: 2019-06-27. Review status: criteria provided, single submitter. Criteria: ACMG Guidelines, 2015. Collection method: clinical testing. Allele origin: germline.

GeneDx
Classification: Likely benign. Last evaluated: 2016-07-27. Review status: criteria provided, single submitter. Criteria: GeneDx Variant Classification (06012015). Collection method: clinical testing. Allele origin: germline. Affected: yes.
Comment: This variant is considered likely benign or benign based on one or more of the following criteria: it is a conservative change, it occurs at a poorly conserved position in the protein, it is predicted to be benign by multiple in silico algorithms, and/or has population frequency not consistent with disease.

Literature cited by the submitters: PubMed 26820365 (cited by Women's Health and Genetics/Laboratory Corporation of America, LabCorp).